The following is an entry in ClinVar:

ClinVar aggregate classification (germline): Pathogenic (1 of 4 stars; one submission).

Allele frequency attached by ClinVar (database versions not stated): ExAC 0.00002; gnomAD 0.00003; TOPMed 0.00003; gnomAD exomes 0.00013.

Submission:

Labcorp Genetics (formerly Invitae), Labcorp
Classification: Pathogenic. Last evaluated: 2025-05-26. Review status: criteria provided, single submitter. Criteria: Invitae Variant Classification Sherloc (09022015). Collection method: clinical testing. Allele origin: germline.
Comment: This sequence change creates a premature translational stop signal (p.Asp363*) in the TBXAS1 gene. It is expected to result in an absent or disrupted protein product. Loss-of-function variants in TBXAS1 are known to be pathogenic (PMID: 22735388). This variant is present in population databases (rs774927838, gnomAD 0.005%). This variant has not been reported in the literature in individuals affected with TBXAS1-related conditions. ClinVar contains an entry for this variant (Variation ID: 2058503). For these reasons, this variant has been classified as Pathogenic.

Literature cited by the submitters: PubMed 22735388.

NM_001061.7(TBXAS1):c.1083dup (p.Asp362Ter)

Gene: TBXAS1 (thromboxane A synthase 1; plus strand). Cytogenetic location: 7q34.
Variant type: Duplication.
Coding change: c.1083dup on transcript NM_001061.7 (MANE Select); coding-DNA position 1083, one base duplicated (T; older notation c.1083dupT).
Protein change: p.Asp362Ter; replaces aspartic acid 362 with a stop codon.
Molecular consequence: nonsense.
Genome position (GRCh38, 1-based): chr7:139,962,182, T duplicated. VCF-style (leftmost placement, unchanged base first): chr7-139962181-C-CT. GRCh37 (hg19) VCF-style: chr7-139661980-C-CT.
Other names: c.1083dup, p.Asp362Ter (NM_001130966.5, NM_030984.6); c.1221dup, p.Asp408Ter (NM_001166253.4); c.882dup, p.Asp295Ter (NM_001166254.4); c.1026dup, p.Asp343Ter (NM_001314028.4); c.900dup, p.Asp301Ter (NM_001366537.3); short protein forms D343*, D362*, D301*, D408*, D295*.
Identifiers: ClinVar variation 2058503 (VCV002058503.4), dbSNP rs774927838, ClinGen allele CA4511880.